The following is an entry in ClinVar:

ClinVar aggregate classification (germline): Uncertain significance (1 of 4 stars; one submission).

Submission:

Labcorp Genetics (formerly Invitae), Labcorp
Classification: Uncertain significance. Last evaluated: 2021-10-15. Review status: criteria provided, single submitter. Criteria: Invitae Variant Classification Sherloc (09022015). Collection method: clinical testing. Allele origin: germline.
Comment: This sequence change results in a frameshift in the RINT1 gene (p.Trp787Glyfs*35). While this is not anticipated to result in nonsense mediated decay, it is expected to disrupt the last 6 amino acid(s) of the RINT1 protein and extend the protein by 28 additional amino acid residues. This variant is present in population databases (rs763845178, ExAC 0.02%). This variant has not been reported in the literature in individuals affected with RINT1-related conditions. Experimental studies and prediction algorithms are not available or were not evaluated, and the functional significance of this variant is currently unknown. In summary, the available evidence is currently insufficient to determine the role of this variant in disease. Therefore, it has been classified as a Variant of Uncertain Significance.

NM_021930.6(RINT1):c.2359del (p.Trp787fs)

Genes: EFCAB10 (EF-hand calcium binding domain 10; minus strand), RINT1 (RAD50 interactor 1; plus strand). Cytogenetic location: 7q22.3.
Variant type: Deletion.
Coding change: c.2359del on transcript NM_021930.6 (MANE Select); coding-DNA position 2359, one base deleted (T; older notation c.2359delT).
Protein change: p.Trp787fs; shifts the reading frame from tryptophan 787.
Molecular consequence: frameshift variant. On other transcripts: 3 prime UTR variant (2), non-coding transcript variant (1), intron variant (3).
Genome position (GRCh38, 1-based): chr7:105,567,291, T deleted; the last of 2 consecutive T bases (chr7:105,567,290-105,567,291); deleting either gives the same sequence. VCF-style (leftmost placement, unchanged base first): chr7-105567289-AT-A. GRCh37 (hg19) VCF-style: chr7-105207736-AT-A.
Other names: c.*164del (NM_001355527.2, NM_001355529.2); c.2125del, p.Trp709fs (NM_001346599.2); c.1336del, p.Trp446fs (NM_001346600.2, NM_001346603.2); c.1435del, p.Trp479fs (NM_001346601.2); c.360-1843del (NM_001355531.2); c.383+177del (NM_001355526.2, NM_001355530.2); short protein forms W787fs, W479fs, W709fs, W446fs.
Identifiers: ClinVar variation 1445429 (VCV001445429.6), dbSNP rs763845178, ClinGen allele CA4426938.